The following is an entry in ClinVar:

ClinVar aggregate classification (germline): Uncertain significance (1 of 4 stars; one submission).

Submission:

GeneDx
Classification: Uncertain significance. Last evaluated: 2024-06-27. Review status: criteria provided, single submitter. Criteria: GeneDx Variant Classification Process June 2021. Collection method: clinical testing. Allele origin: germline. Affected: yes.
Comment: Not observed at significant frequency in large population cohorts (gnomAD); In silico analysis supports that this missense variant has a deleterious effect on protein structure/function; Has not been previously published as pathogenic or benign to our knowledge

NM_006445.4(PRPF8):c.5242C>T (p.Arg1748Cys)

Gene: PRPF8 (pre-mRNA processing factor 8; minus strand). Cytogenetic location: 17p13.3.
Variant type: single nucleotide variant.
Coding change: c.5242C>T on transcript NM_006445.4 (MANE Select); coding-DNA position 5242, C replaced by T.
Protein change: p.Arg1748Cys; replaces arginine 1748 with cysteine.
Molecular consequence: missense variant.
Genome position (GRCh38, 1-based): chr17:1,658,660, G>A on the plus strand (C>T on the coding strand, the complement: PRPF8 is on the minus strand). VCF-style: chr17-1658660-G-A. GRCh37 (hg19) VCF-style: chr17-1561954-G-A.
Other names: short protein forms R1748C.
Identifiers: ClinVar variation 3392946 (VCV003392946.1).